The following is an entry in ClinVar:

NM_001040142.2(SCN2A):c.1841C>T (p.Pro614Leu)

Gene: SCN2A (sodium voltage-gated channel alpha subunit 2; plus strand). Cytogenetic location: 2q24.3.
Variant type: single nucleotide variant.
Coding change: c.1841C>T on transcript NM_001040142.2 (MANE Select); coding-DNA position 1841, C replaced by T.
Protein change: p.Pro614Leu; replaces proline 614 with leucine.
Molecular consequence: missense variant.
Genome position (GRCh38, 1-based): chr2:165,323,325, C>T. VCF-style: chr2-165323325-C-T. GRCh37 (hg19) VCF-style: chr2-166179835-C-T.
Other names: p.P614L:CCG>CTG; c.1841C>T, p.Pro614Leu (NM_001040143.2, NM_001371246.1, NM_001371247.1 and 1 more transcripts); short protein forms P614L.
Identifiers: ClinVar variation 207091 (VCV000207091.19), dbSNP rs143734912, ClinGen allele CA318217.

ClinVar aggregate classification (germline): Conflicting classifications of pathogenicity. Review status: criteria provided, conflicting classifications (1 of 4 stars). 4 submissions from 4 submitters: Uncertain significance (3); Likely benign (1). Last evaluated 2026-10-15.

Conditions:
Developmental and epileptic encephalopathy, 11 (DEE11). Also called: Early infantile epileptic encephalopathy 11. Identifiers: Orphanet 1934, MedGen C3150987, MONDO:0013388, OMIM 613721.
Seizures, benign familial infantile, 3 (BFIS3). Also called: CONVULSIONS, BENIGN FAMILIAL INFANTILE, 3; Familial neonatal seizures. Identifiers: Orphanet 140927, Orphanet 306, MedGen C1843140, MONDO:0011904, OMIM 607745.

Allele frequency attached by ClinVar (database versions not stated): ExAC 0.00004; gnomAD exomes 0.00003; gnomAD 0.00004; TOPMed 0.00004; ESP Exome Variant Server 0.00015; 1000 Genomes Project 0.00040; 1000 Genomes Project 30x 0.00047.

Submissions (4):

GeneDx
Classification: Uncertain significance. Last evaluated: 2026-10-15. Review status: criteria provided, single submitter. Criteria: GeneDx Variant Classification Process June 2021. Collection method: clinical testing. Allele origin: germline.
Comment: Reported previously in a cohort of patients with neurodevelopmental disorders; however, no specific clinical or segregation information was provided (PMID: 33004838); In silico analysis supports that this missense variant has a deleterious effect on protein structure/function; This substitution is predicted to be in the cytoplasmic loop between the first and second homologous domains; This variant is associated with the following publications: (PMID: 33004838)

Labcorp Genetics (formerly Invitae), Labcorp
Classification: Uncertain significance for Seizures, benign familial infantile, 3; Developmental and epileptic encephalopathy, 11. Last evaluated: 2025-10-26. Review status: criteria provided, single submitter. Criteria: Invitae Variant Classification Sherloc (09022015). Collection method: clinical testing. Allele origin: germline.
Comment: This sequence change replaces proline, which is neutral and non-polar, with leucine, which is neutral and non-polar, at codon 614 of the SCN2A protein (p.Pro614Leu). This variant is present in population databases (rs143734912, gnomAD 0.006%). This missense change has been observed in individual(s) with clinical features of SCN2A-related conditions (PMID: 33004838). ClinVar contains an entry for this variant (Variation ID: 207091). Invitae Evidence Modeling of protein sequence and biophysical properties (such as structural, functional, and spatial information, amino acid conservation, physicochemical variation, residue mobility, and thermodynamic stability) indicates that this missense variant is expected to disrupt SCN2A protein function with a positive predictive value of 95%. In summary, the available evidence is currently insufficient to determine the role of this variant in disease. Therefore, it has been classified as a Variant of Uncertain Significance.

Blueprint Genetics
Classification: Likely benign. Last evaluated: 2023-01-13. Review status: criteria provided, single submitter. Criteria: ACMG Guidelines, 2015. Collection method: clinical testing. Allele origin: germline.

Genetic Services Laboratory, University of Chicago
Classification: Uncertain significance. Last evaluated: 2017-04-13. Review status: criteria provided, single submitter. Criteria: ACMG Guidelines, 2015. Collection method: clinical testing. Allele origin: germline. Affected: no.

Literature cited by the submitters: PubMed 33004838 (cited by Labcorp Genetics (formerly Invitae), Labcorp).